The following is an entry in ClinVar:

NC_000011.9:g.(?_76894093)_(76915294_?)dup

Gene: MYO7A (myosin VIIA; plus strand). Cytogenetic location: 11q13.5.
Variant type: Duplication.
Identifiers: ClinVar variation 3244719 (VCV003244719.1).

ClinVar aggregate classification (germline): Likely pathogenic (1 of 4 stars; one submission).

Submission:

Labcorp Genetics (formerly Invitae), Labcorp
Classification: Likely pathogenic. Last evaluated: 2023-04-28. Review status: criteria provided, single submitter. Criteria: Invitae Variant Classification Sherloc (09022015). Collection method: clinical testing. Allele origin: unknown.
Comment: In summary, the currently available evidence indicates that the variant is pathogenic, but additional data are needed to prove that conclusively. Therefore, this variant has been classified as Likely Pathogenic. This variant has not been reported in the literature in individuals affected with MYO7A-related conditions. This variant results in a copy number gain of the genomic region encompassing exon(s) 26-39 of the MYO7A gene. While the exact position of this variant cannot be determined from the data, sub-genic copy number gains are generally in tandem (PMID: 25640679). This variant is predicted to be out-of-frame, and may result in an absent or disrupted protein product. Loss-of-function variants in MYO7A are known to be pathogenic (PMID: 8900236, 25404053).

Literature cited by the submitters: PubMed 25640679; PubMed 8900236; PubMed 25404053.